The following is an entry in ClinVar:

ClinVar aggregate classification (germline): Uncertain significance. Review status: criteria provided, multiple submitters, no conflicts (2 of 4 stars). 8 submissions from 6 submitters: Uncertain significance (8). Last evaluated 2024-05-06.

Conditions:
Inborn genetic diseases. Identifiers: MedGen C0950123, MeSH D030342.
RYR1-related disorder. Also called: RYR1-related condition; RYR1-related disorders. Identifiers: MedGen CN239331.
Congenital multicore myopathy with external ophthalmoplegia (CMYO1B). Also called: MULTICORE MYOPATHY; Minicore myopathy with external ophthalmoplegia; Congenital myopathy 1B, autosomal recessive; Minicore myopathy; MULTIMINICORE DISEASE WITH EXTERNAL OPHTHALMOPLEGIA. Identifiers: Orphanet 598, Orphanet 98905, MedGen C1850674, MONDO:0009712, OMIM 255320, HP:0003789.
Central core myopathy (CMYO1A). Also called: CONGENITAL MYOPATHY 1A, AUTOSOMAL DOMINANT, WITH SUSCEPTIBILITY TO MALIGNANT HYPERTHERMIA; Central core disease; Myopathy, central fibrillar. Identifiers: Orphanet 597, MedGen C5830701, MONDO:0007294, OMIM 117000.
Malignant hyperthermia, susceptibility to, 1 (MHS1). Also called: Anesthesia related hyperthermia; Malignant hyperpyrexia; Fulminating hyperpyrexia; Pharmacogenic myopathy; RYR1-Related Malignant Hyperthermia Susceptibility; Malignant hyperthermia suceptibility 1. Identifiers: Orphanet 423, MedGen C2930980, MONDO:0007783, OMIM 145600.

Allele frequency attached by ClinVar (database versions not stated): TOPMed below 0.00001; gnomAD 0.00002; ExAC 0.00003; gnomAD exomes 0.00003 and 0.00004.
gnomAD v4.1: 39 of 1,614,048 alleles (0.0024%); highest among the groups gnomAD compares: South Asian, 0.031%; 1 homozygote.

Submissions (8):

Revvity Omics, Revvity
Classification: Uncertain significance. Last evaluated: 2024-05-06. Review status: criteria provided, single submitter. Criteria: ACMG Guidelines, 2015. Collection method: clinical testing. Allele origin: germline.

All of Us Research Program, National Institutes of Health
Classification: Uncertain significance for Malignant hyperthermia, susceptibility to, 1. Last evaluated: 2024-03-05. Review status: criteria provided, single submitter. Criteria: ACMG Guidelines, 2015. Collection method: clinical testing. Allele origin: germline. Inheritance: Autosomal dominant inheritance. Observed: 1 variant allele, 1 heterozygote.
Comment: This study involves interpretation of variants in research participants for the purpose of population health screening. Participant phenotype was not available at the time of variant classification. Additional details can be found in publication PMID: 35346344, PMCID: PMC8962531

GeneDx
Classification: Uncertain significance. Last evaluated: 2023-12-09. Review status: criteria provided, single submitter. Criteria: GeneDx Variant Classification Process June 2021. Collection method: clinical testing. Allele origin: germline. Affected: yes.
Comment: Has not been previously published as pathogenic or benign to our knowledge; In silico analysis supports that this missense variant does not alter protein structure/function

Labcorp Genetics (formerly Invitae), Labcorp
Classification: Uncertain significance for RYR1-related disorder. Last evaluated: 2022-08-12. Review status: criteria provided, single submitter. Criteria: Invitae Variant Classification Sherloc (09022015). Collection method: clinical testing. Allele origin: germline.
Comment: This sequence change replaces glutamic acid, which is acidic and polar, with lysine, which is basic and polar, at codon 1107 of the RYR1 protein (p.Glu1107Lys). This variant is present in population databases (rs777117206, gnomAD 0.03%). This variant has not been reported in the literature in individuals affected with RYR1-related conditions. ClinVar contains an entry for this variant (Variation ID: 890998). Advanced modeling of protein sequence and biophysical properties (such as structural, functional, and spatial information, amino acid conservation, physicochemical variation, residue mobility, and thermodynamic stability) performed at Invitae indicates that this missense variant is not expected to disrupt RYR1 protein function. In summary, the available evidence is currently insufficient to determine the role of this variant in disease. Therefore, it has been classified as a Variant of Uncertain Significance.

Ambry Genetics
Classification: Uncertain significance for Inborn genetic diseases. Last evaluated: 2021-08-17. Review status: criteria provided, single submitter. Criteria: Ambry Variant Classification Scheme 2023. Collection method: clinical testing. Allele origin: germline.

Illumina Laboratory Services, Illumina
Classification: Uncertain significance for Congenital multicore myopathy with external ophthalmoplegia. Last evaluated: 2018-01-12. Review status: criteria provided, single submitter. Criteria: ICSL Variant Classification Criteria 13 December 2019. Collection method: clinical testing. Allele origin: germline.

Illumina Laboratory Services, Illumina
Classification: Uncertain significance for Central core myopathy. Last evaluated: 2018-01-12. Review status: criteria provided, single submitter. Criteria: ICSL Variant Classification Criteria 13 December 2019. Collection method: clinical testing. Allele origin: germline.

Illumina Laboratory Services, Illumina
Classification: Uncertain significance for Malignant hyperthermia, susceptibility to, 1. Last evaluated: 2018-01-12. Review status: criteria provided, single submitter. Criteria: ICSL Variant Classification Criteria 13 December 2019. Collection method: clinical testing. Allele origin: germline.

NM_000540.3(RYR1):c.3319G>A (p.Glu1107Lys)

Gene: RYR1 (ryanodine receptor 1; plus strand). Cytogenetic location: 19q13.2.
Variant type: single nucleotide variant.
Coding change: c.3319G>A on transcript NM_000540.3 (MANE Select); coding-DNA position 3319, G replaced by A.
Protein change: p.Glu1107Lys; replaces glutamic acid 1107 with lysine.
Molecular consequence: missense variant.
Genome position (GRCh38, 1-based): chr19:38,467,750, G>A. VCF-style: chr19-38467750-G-A. GRCh37 (hg19) VCF-style: chr19-38958390-G-A.
Other names: c.3319G>A, p.Glu1107Lys (NM_001042723.2); short protein forms E1107K.
Identifiers: ClinVar variation 890998 (VCV000890998.9), dbSNP rs777117206, ClinGen allele CA064677.